The following is an entry in ClinVar:

NM_015374.3(SUN2):c.1114G>T (p.Asp372Tyr)

Genes: GTPBP1 (GTP binding protein 1; plus strand), SUN2 (Sad1 and UNC84 domain containing 2; minus strand). Cytogenetic location: 22q13.1.
Variant type: single nucleotide variant.
Coding change: c.1114G>T on transcript NM_015374.3 (MANE Select); coding-DNA position 1114, G replaced by T.
Protein change: p.Asp372Tyr; replaces aspartic acid 372 with tyrosine.
Molecular consequence: missense variant. On other transcripts: intron variant (3).
Genome position (GRCh38, 1-based): chr22:38,741,526, C>A on the plus strand (G>T on the coding strand, the complement: SUN2 is on the minus strand). VCF-style: chr22-38741526-C-A. GRCh37 (hg19) VCF-style: chr22-39137531-C-A.
Other names: c.1177G>T, p.Asp393Tyr (NM_001199579.2, NM_001394428.1); c.1114G>T, p.Asp372Tyr (NM_001199580.2, NM_001394431.1, NM_001394432.1 and 5 more transcripts); c.1207G>T, p.Asp403Tyr (NM_001394427.1); c.1159G>T, p.Asp387Tyr (NM_001394429.1, NM_001394430.1); c.615-1094G>T (NM_001394444.1, NM_001394445.1); c.814-1116G>T (NM_001394442.1); c.1024G>T, p.Asp342Tyr (NM_001394438.1); c.976G>T, p.Asp326Tyr (NM_001394439.1, NM_001394440.1, NM_001394441.1); and 1 more; short protein forms D326Y, D342Y, D403Y, D208Y, D387Y, D393Y, D372Y.
Identifiers: ClinVar variation 2717364 (VCV002717364.3), dbSNP rs1425129392, ClinGen allele CA411585027.

ClinVar aggregate classification (germline): Uncertain significance (1 of 4 stars; one submission).

Conditions:
Emery-Dreifuss muscular dystrophy (EDMD). Also called: Scapuloperoneal syndrome, X-linked (formerly); Humeroperoneal neuromuscular disease, (formerly). Identifiers: Orphanet 261, MedGen C0410189, MONDO:0016830.

Allele frequency attached by ClinVar (database versions not stated): gnomAD exomes below 0.00001.
gnomAD v4.1: 2 of 1,614,048 alleles (0.00012%); highest among the groups gnomAD compares: Non-Finnish European, 0.00017%; no homozygotes.

Submission:

Labcorp Genetics (formerly Invitae), Labcorp
Classification: Uncertain significance for Emery-Dreifuss muscular dystrophy. Last evaluated: 2023-06-14. Review status: criteria provided, single submitter. Criteria: Invitae Variant Classification Sherloc (09022015). Collection method: clinical testing. Allele origin: germline.
Comment: In summary, the available evidence is currently insufficient to determine the role of this variant in disease. Therefore, it has been classified as a Variant of Uncertain Significance. An algorithm developed to predict the effect of missense changes on protein structure and function (PolyPhen-2) suggests that this variant is likely to be tolerated. This variant has not been reported in the literature in individuals affected with SUN2-related conditions. This variant is present in population databases (no rsID available, gnomAD 0.0009%). This sequence change replaces aspartic acid, which is acidic and polar, with tyrosine, which is neutral and polar, at codon 372 of the SUN2 protein (p.Asp372Tyr).